The following is an entry in ClinVar:

ClinVar aggregate classification (germline): Uncertain significance (1 of 4 stars; one submission).

Allele frequency attached by ClinVar (database versions not stated): gnomAD exomes below 0.00001.
gnomAD v4.1: 1 of 1,614,178 alleles (0.000062%); highest among the groups gnomAD compares: Admixed American, 0.0017%; no homozygotes.

Submission:

Labcorp Genetics (formerly Invitae), Labcorp
Classification: Uncertain significance. Last evaluated: 2022-07-19. Review status: criteria provided, single submitter. Criteria: Invitae Variant Classification Sherloc (09022015). Collection method: clinical testing. Allele origin: germline.
Comment: In summary, the available evidence is currently insufficient to determine the role of this variant in disease. Therefore, it has been classified as a Variant of Uncertain Significance. Algorithms developed to predict the effect of missense changes on protein structure and function output the following: SIFT: "Tolerated"; PolyPhen-2: "Possibly Damaging"; Align-GVGD: "Class C0". The asparagine amino acid residue is found in multiple mammalian species, which suggests that this missense change does not adversely affect protein function. This variant has not been reported in the literature in individuals affected with IFNAR2-related conditions. This variant is not present in population databases (gnomAD no frequency). This sequence change replaces aspartic acid, which is acidic and polar, with asparagine, which is neutral and polar, at codon 458 of the IFNAR2 protein (p.Asp458Asn).

NM_001289125.3(IFNAR2):c.1372G>A (p.Asp458Asn)

Genes: IFNAR2 (interferon alpha and beta receptor subunit 2; plus strand), IFNAR2-IL10RB (IFNAR2-IL10RB readthrough; plus strand). Cytogenetic location: 21q22.11.
Variant type: single nucleotide variant.
Coding change: c.1372G>A on transcript NM_001289125.3 (MANE Select); coding-DNA position 1372, G replaced by A.
Protein change: p.Asp458Asn; replaces aspartic acid 458 with asparagine.
Molecular consequence: missense variant. On other transcripts: 3 prime UTR variant (5), intron variant (1).
Genome position (GRCh38, 1-based): chr21:33,263,324, G>A. VCF-style: chr21-33263324-G-A. GRCh37 (hg19) VCF-style: chr21-34635629-G-A.
Other names: c.*608G>A (NM_000874.5, NM_207584.3); c.*521G>A (NM_001289126.2, NM_001289128.2); c.*747G>A (NM_001385054.1); c.1372G>A, p.Asp458Asn (NM_207585.3); c.1318+54G>A (NM_001385055.1); short protein forms D458N.
Identifiers: ClinVar variation 2038138 (VCV002038138.4), dbSNP rs2516765636, ClinGen allele CA410105755.